The following is an entry in ClinVar:

ClinVar aggregate classification (germline): Pathogenic. Review status: criteria provided, multiple submitters, no conflicts (2 of 4 stars). 5 submissions from 5 submitters: Pathogenic (4). 1 of the submissions does not count toward it. Last evaluated 2026-04-09.

Conditions:
CFTR-related disorder (CFTR-RD). Also called: CFTR-related condition; CFTR-related disorders. Identifiers: MedGen C5924204, MONDO:7770004.
Cystic fibrosis (CF). Also called: MUCOVISCIDOSIS. Identifiers: Orphanet 586, MedGen C0010674, MONDO:0009061, OMIM 219700. Disease mechanism: loss of function.

Submissions (5):

Women's Health and Genetics/Laboratory Corporation of America, LabCorp
Classification: Pathogenic for Cystic fibrosis. Last evaluated: 2026-04-09. Review status: criteria provided, single submitter. Criteria: LabCorp Variant Classification Summary - May 2015. Collection method: clinical testing. Allele origin: germline.
Comment: Variant summary: CFTR c.254G>T (p.Gly85Val) results in a non-conservative amino acid change in the encoded protein sequence. Algorithms developed to predict the effect of missense changes on protein structure and function all suggest that this variant is likely to be disruptive. The variant was absent in 250880 control chromosomes. c.254G>T has been observed in the presumed compound heterozygous state in at least 2 individual(s) affected with Cystic Fibrosis (example, Casals_1997, Trujillano_2013). These data indicate that the variant may be associated with disease. A different variant affecting the same codon has been classified as likely pathogenic/pathogenic by our lab (c.254G>A, p.Gly85Glu), supporting the critical relevance of codon 85 to CFTR protein function. At least one publication reports experimental evidence evaluating an impact on protein function. The most pronounced variant effect resulted in approximately 2.30% of normal chloride channel conductance relative to wild type (e.g., Bihler_2024). The following publications have been ascertained in the context of this evaluation (PMID: 38388235, 9439669, 23687349). ClinVar contains an entry for this variant (Variation ID: 53510). Based on the evidence outlined above, the variant was classified as pathogenic.

Natera, Inc.
Classification: Pathogenic for CFTR-related disorders. Last evaluated: 2025-12-23. Review status: criteria provided, single submitter. Criteria: Natera Variant Classification Schema (03/2026). Collection method: clinical testing. Allele origin: germline.
Comment: The c.254G>T variant in CFTR is a missense variant predicted to cause substitution of glycine to valine at amino acid 85. This variant is rare in the general population with a frequency below the threshold expected for the associated phenotype(s). This variant has been observed in one or more individuals affected with the associated recessive disease, as either homozygous or compound heterozygous with a second variant (PMID: 9439669, 35698092, 23687349, 39151434, 35698963). Functional studies show that this variant may disrupt protein function (PMID: 18306312, 38388235). A different variant at the same position has been determined to be Pathogenic or Likely Pathogenic. Computational prediction algorithms indicate this variant is likely to affect gene or protein function. Given the available evidence, this variant is classified as Pathogenic.

Mendelics
Classification: Pathogenic for Cystic fibrosis. Last evaluated: 2018-11-05. Review status: criteria provided, single submitter. Criteria: Mendelics Assertion Criteria 2017. Collection method: clinical testing. Allele origin: unknown. Affected: yes.

CFTR-France
Classification: Pathogenic for cystic fibrosis. Last evaluated: 2018-01-29. Review status: criteria provided, single submitter. Criteria: Claustres M et al. (Hum Mutat 2017). Collection method: curation. Allele origin: germline. Affected: yes.

ClinVar Staff, National Center for Biotechnology Information (NCBI)
No classification provided. Condition: CFTR-related disorders. Review status: no classification provided. Collection method: literature only. Allele origin: germline. Affected: yes. Not counted in ClinVar's aggregate classification.

Literature cited by the submitters: PubMed 9439669 (cited by Women's Health and Genetics/Laboratory Corporation of America, LabCorp and Natera, Inc.); PubMed 23687349 (cited by Women's Health and Genetics/Laboratory Corporation of America, LabCorp and Natera, Inc.); PubMed 38388235 (cited by Women's Health and Genetics/Laboratory Corporation of America, LabCorp and Natera, Inc.); PubMed 35698092 (cited by Natera, Inc.); PubMed 39151434 (cited by Natera, Inc.); PubMed 35698963 (cited by Natera, Inc.); PubMed 18306312 (cited by Natera, Inc.); PubMed 20059485 (cited by ClinVar Staff, National Center for Biotechnology Information (NCBI)).

NM_000492.4(CFTR):c.254G>T (p.Gly85Val)

Gene: CFTR (CF transmembrane conductance regulator; plus strand). Cytogenetic location: 7q31.2.
Variant type: single nucleotide variant.
Coding change: c.254G>T on transcript NM_000492.4 (MANE Select); coding-DNA position 254, G replaced by T.
Protein change: p.Gly85Val; replaces glycine 85 with valine.
Molecular consequence: missense variant.
Genome position (GRCh38, 1-based): chr7:117,509,123, G>T. VCF-style: chr7-117509123-G-T. GRCh37 (hg19) VCF-style: chr7-117149177-G-T.
Other names: short protein forms G85V.
Identifiers: ClinVar variation 53510 (VCV000053510.5), dbSNP rs75961395, ClinGen allele CA326843.